The following is an entry in ClinVar:

ClinVar aggregate classification (germline): Benign/Likely benign. Review status: criteria provided, multiple submitters, no conflicts (2 of 4 stars). 3 submissions from 3 submitters: Benign (1); Likely benign (2). Last evaluated 2026-09-01.

Allele frequency attached by ClinVar (database versions not stated): 1000 Genomes Project 30x 0.00578; 1000 Genomes Project 0.00599; TOPMed 0.00697; gnomAD 0.00709 and 0.00715; gnomAD exomes 0.00902.

Submissions (3):

CeGaT Center for Human Genetics Tuebingen
Classification: Benign. Last evaluated: 2026-09-01. Review status: criteria provided, single submitter. Criteria: CeGaT Center For Human Genetics Tuebingen Variant Classification Criteria Version 2. Collection method: clinical testing. Allele origin: germline. Affected: yes. Observed: 14 variant alleles.
Comment: EDN3: BS1, BS2

GeneDx
Classification: Likely benign. Last evaluated: 2018-12-21. Review status: criteria provided, single submitter. Criteria: GeneDx Variant Classification Process June 2021. Collection method: clinical testing. Allele origin: germline. Affected: yes.
Comment: This variant is associated with the following publications: (PMID: 23840513)

Eurofins Ntd Llc (ga)
Classification: Likely benign. Last evaluated: 2018-08-07. Review status: criteria provided, single submitter. Criteria: EGL ClinVar v180209 classification definitions. Collection method: clinical testing. Allele origin: germline. Observed: 1 variant allele, 1 heterozygote.

NC_000020.11:g.59300565G>A

Gene: EDN3 (endothelin 3; plus strand). Cytogenetic location: 20q13.32.
Variant type: single nucleotide variant.
Genome position: GRCh38 VCF-style: chr20-59300565-G-A. GRCh37 (hg19) VCF-style: chr20-57875620-G-A.
Identifiers: ClinVar variation 339115 (VCV000339115.34), dbSNP rs542818479, ClinGen allele CA10653314.